The following is an entry in ClinVar:

ClinVar aggregate classification (germline): Uncertain significance (1 of 4 stars; one submission).

Allele frequency attached by ClinVar (database versions not stated): TOPMed 0.00001; ExAC 0.00002.
gnomAD v4.1: 6 of 1,609,340 alleles (0.00037%); highest among the groups gnomAD compares: Non-Finnish European, 0.00042%; no homozygotes.

Submission:

Labcorp Genetics (formerly Invitae), Labcorp
Classification: Uncertain significance. Last evaluated: 2022-04-25. Review status: criteria provided, single submitter. Criteria: Invitae Variant Classification Sherloc (09022015). Collection method: clinical testing. Allele origin: germline.
Comment: This sequence change replaces isoleucine, which is neutral and non-polar, with methionine, which is neutral and non-polar, at codon 210 of the ADAMTS13 protein (p.Ile210Met). This variant is present in population databases (rs199661242, gnomAD 0.003%). This variant has not been reported in the literature in individuals affected with ADAMTS13-related conditions. Algorithms developed to predict the effect of missense changes on protein structure and function are either unavailable or do not agree on the potential impact of this missense change (SIFT: "Deleterious"; PolyPhen-2: "Probably Damaging"; Align-GVGD: "Class C0"). In summary, the available evidence is currently insufficient to determine the role of this variant in disease. Therefore, it has been classified as a Variant of Uncertain Significance.

NM_139027.6(ADAMTS13):c.630T>G (p.Ile210Met)

Gene: ADAMTS13 (ADAM metallopeptidase with thrombospondin type 1 motif 13; plus strand). Cytogenetic location: 9q34.2.
Variant type: single nucleotide variant.
Coding change: c.630T>G on transcript NM_139027.6 (MANE Select); coding-DNA position 630, T replaced by G.
Protein change: p.Ile210Met; replaces isoleucine 210 with methionine.
Molecular consequence: missense variant. On other transcripts: non-coding transcript variant (1).
Genome position (GRCh38, 1-based): chr9:133,426,289, T>G. VCF-style: chr9-133426289-T-G. GRCh37 (hg19) VCF-style: chr9-136291409-T-G.
Other names: c.630T>G, p.Ile210Met (NM_139025.5, NM_139026.6); short protein forms I210M.
Identifiers: ClinVar variation 1917912 (VCV001917912.3), dbSNP rs199661242, ClinGen allele CA200922279.